The following is an entry in ClinVar:

NM_015570.4(AUTS2):c.1659C>T (p.Thr553=)

Gene: AUTS2 (activator of transcription and developmental regulator AUTS2; plus strand). Cytogenetic location: 7q11.22.
Variant type: single nucleotide variant.
Coding change: c.1659C>T on transcript NM_015570.4 (MANE Select); coding-DNA position 1659, C replaced by T.
Protein change: p.Thr553=; no amino-acid change (threonine 553 retained).
Molecular consequence: synonymous variant.
Genome position (GRCh38, 1-based): chr7:70,766,304, C>T. VCF-style: chr7-70766304-C-T. GRCh37 (hg19) VCF-style: chr7-70231290-C-T.
Other names: c.1659C>T, p.Thr553= (NM_001127231.3).
Identifiers: ClinVar variation 766960 (VCV000766960.34), dbSNP rs146990635, ClinGen allele CA4280717.
Genomic context (GRCh38, chr7:70,766,304, plus strand): 5'-CACCCACCAGCACACGCACCAGCACACCTTCACGCCGTTCCCCCACGCCATCCCACCCAC[C>T]GCCATCATGCCGACGCCAGCACCTCCCATGGTGCGTACCCCAGGCAGAAATGTGAGGATA-3'
Protein context (NP_056385.1, residues 543-563): FTPFPHAIPP[Thr553=]AIMPTPAPPM

ClinVar aggregate classification (germline): Benign/Likely benign. Review status: criteria provided, multiple submitters, no conflicts (2 of 4 stars). 4 submissions from 4 submitters: Benign (2); Likely benign (1). 1 of the submissions does not count toward it. Last evaluated 2026-01-28.

Conditions:
AUTS2-related disorder. Also called: AUTS2-related condition.

Allele frequency attached by ClinVar (database versions not stated): gnomAD exomes 0.00014; ExAC 0.00018; gnomAD 0.00050 and 0.00051; TOPMed 0.00051; ESP Exome Variant Server 0.00069; 1000 Genomes Project 30x 0.00125; 1000 Genomes Project 0.00140.
gnomAD v4.1: 152 of 1,614,120 alleles (0.0094%); highest among the groups gnomAD compares: African/African-American, 0.18%; no homozygotes.

Submissions (4):

Labcorp Genetics (formerly Invitae), Labcorp
Classification: Benign. Last evaluated: 2026-01-28. Review status: criteria provided, single submitter. Criteria: Invitae Variant Classification Sherloc (09022015). Collection method: clinical testing. Allele origin: germline.

CeGaT Center for Human Genetics Tuebingen
Classification: Likely benign. Last evaluated: 2023-10-01. Review status: criteria provided, single submitter. Criteria: CeGaT Center For Human Genetics Tuebingen Variant Classification Criteria Version 2. Collection method: clinical testing. Allele origin: germline. Affected: yes. Observed: 1 variant allele.
Comment: AUTS2: BP4, BP7, BS1

GeneDx
Classification: Benign. Last evaluated: 2021-11-25. Review status: criteria provided, single submitter. Criteria: GeneDx Variant Classification Process June 2021. Collection method: clinical testing. Allele origin: germline. Affected: yes.

PreventionGenetics, part of Exact Sciences
Classification: Likely benign for AUTS2-related condition. Last evaluated: 2024-02-16. Review status: no assertion criteria provided. Collection method: clinical testing. Allele origin: germline. Not counted in ClinVar's aggregate classification.
Comment: This variant is classified as likely benign based on ACMG/AMP sequence variant interpretation guidelines (Richards et al. 2015 PMID: 25741868, with internal and published modifications).